The following is an entry in ClinVar:

NM_001042492.3(NF1):c.7170G>T (p.Leu2390Phe)

Gene: NF1 (neurofibromin 1; plus strand). Cytogenetic location: 17q11.2.
Variant type: single nucleotide variant.
Coding change: c.7170G>T on transcript NM_001042492.3 (MANE Select); coding-DNA position 7170, G replaced by T.
Protein change: p.Leu2390Phe; replaces leucine 2390 with phenylalanine.
Molecular consequence: missense variant.
Genome position (GRCh38, 1-based): chr17:31,343,116, G>T. VCF-style: chr17-31343116-G-T. GRCh37 (hg19) VCF-style: chr17-29670134-G-T.
Other names: c.7107G>T, p.Leu2369Phe (NM_000267.4); short protein forms L2369F, L2390F.
Identifiers: ClinVar variation 571858 (VCV000571858.8), dbSNP rs751081026, ClinGen allele CA8487505.

ClinVar aggregate classification (germline): Uncertain significance. Review status: criteria provided, multiple submitters, no conflicts (2 of 4 stars). 2 submissions from 2 submitters: Uncertain significance (2). Last evaluated 2025-06-10.

Conditions:
Cardiovascular phenotype. Identifiers: MedGen CN230736.
Hereditary cancer-predisposing syndrome. Also called: Hereditary neoplastic syndrome; Neoplastic Syndromes, Hereditary; Hereditary Cancer Syndrome; Tumor predisposition. Identifiers: Orphanet 140162, MedGen C0027672, MeSH D009386, MONDO:0015356.
Neurofibromatosis, type 1 (NF1). Also called: Peripheral type neurofibromatosis; VON RECKLINGHAUSEN DISEASE; Neurofibromatosis, type I; NEUROFIBROMATOSIS, TYPE I, SOMATIC. Identifiers: Orphanet 636, MedGen C0027831, MONDO:0018975, OMIM 162200. Disease mechanism: loss of function.

Allele frequency attached by ClinVar (database versions not stated): gnomAD exomes below 0.00001; ExAC 0.00001.
gnomAD v4.1: 1 of 1,613,656 alleles (0.000062%); highest among the groups gnomAD compares: Non-Finnish European, 0.000085%; no homozygotes.

Submissions (2):

Ambry Genetics
Classification: Uncertain significance for Cardiovascular phenotype; Hereditary cancer-predisposing syndrome. Last evaluated: 2025-06-10. Review status: criteria provided, single submitter. Criteria: Ambry Variant Classification Scheme 2023. Collection method: clinical testing. Allele origin: germline.
Comment: The p.L2369F variant (also known as c.7107G>T), located in coding exon 47 of the NF1 gene, results from a G to T substitution at nucleotide position 7107. The leucine at codon 2369 is replaced by phenylalanine, an amino acid with highly similar properties. This amino acid position is highly conserved in available vertebrate species. In addition, the in silico prediction for this alteration is inconclusive. Based on the available evidence, the clinical significance of this variant remains unclear.

Labcorp Genetics (formerly Invitae), Labcorp
Classification: Uncertain significance for Neurofibromatosis, type 1. Last evaluated: 2019-04-24. Review status: criteria provided, single submitter. Criteria: Invitae Variant Classification Sherloc (09022015). Collection method: clinical testing. Allele origin: germline.
Comment: In summary, the available evidence is currently insufficient to determine the role of this variant in disease. Therefore, it has been classified as a Variant of Uncertain Significance. This sequence change replaces leucine with phenylalanine at codon 2369 of the NF1 protein (p.Leu2369Phe). The leucine residue is moderately conserved and there is a small physicochemical difference between leucine and phenylalanine. This variant is present in population databases (rs751081026, ExAC 0.002%). This variant has not been reported in the literature in individuals with NF1-related disease. Algorithms developed to predict the effect of missense changes on protein structure and function are either unavailable or do not agree on the potential impact of this missense change (SIFT: "Deleterious"; PolyPhen-2: "Probably Damaging"; Align-GVGD: "Class C0").